The following is an entry in ClinVar:

NM_030665.4(RAI1):c.5492G>T (p.Trp1831Leu)

Gene: RAI1 (retinoic acid induced 1; plus strand). Cytogenetic location: 17p11.2.
Variant type: single nucleotide variant.
Coding change: c.5492G>T on transcript NM_030665.4 (MANE Select); coding-DNA position 5492, G replaced by T.
Protein change: p.Trp1831Leu; replaces tryptophan 1831 with leucine.
Molecular consequence: missense variant.
Genome position (GRCh38, 1-based): chr17:17,798,440, G>T. VCF-style: chr17-17798440-G-T. GRCh37 (hg19) VCF-style: chr17-17701754-G-T.
Other names: short protein forms W1831L.
Identifiers: ClinVar variation 2131359 (VCV002131359.4), dbSNP rs2543627167, ClinGen allele CA398559295.
Genomic context (GRCh38, chr17:17,798,440, plus strand): 5'-CTCCGGCAGAGCCCGGCGGGGAGGCCCAGGAGCACTGGGTGCATGAGGCCTGTGCCGTGT[G>T]GACCGGCGGCGTCTACCTGGTGGCCGGGAAGCTCTTTGGGCTGCAGGAGGCCATGAAGGT-3'
Protein context (NP_109590.3, residues 1821-1841): EHWVHEACAV[Trp1831Leu]TGGVYLVAGK

ClinVar aggregate classification (germline): Uncertain significance (1 of 4 stars; one submission).

Submission:

Labcorp Genetics (formerly Invitae), Labcorp
Classification: Uncertain significance. Last evaluated: 2022-04-28. Review status: criteria provided, single submitter. Criteria: Invitae Variant Classification Sherloc (09022015). Collection method: clinical testing. Allele origin: germline.
Comment: In summary, the available evidence is currently insufficient to determine the role of this variant in disease. Therefore, it has been classified as a Variant of Uncertain Significance. Algorithms developed to predict the effect of missense changes on protein structure and function (SIFT, PolyPhen-2, Align-GVGD) all suggest that this variant is likely to be disruptive. This variant has not been reported in the literature in individuals affected with RAI1-related conditions. This variant is not present in population databases (gnomAD no frequency). This sequence change replaces tryptophan, which is neutral and slightly polar, with leucine, which is neutral and non-polar, at codon 1831 of the RAI1 protein (p.Trp1831Leu).